The following is an entry in ClinVar:

NM_002528.7(NTHL1):c.116-13_172del

Gene: NTHL1 (nth like DNA glycosylase 1; minus strand). Cytogenetic location: 16p13.3.
Variant type: Deletion.
Coding change: c.116-13_172del on transcript NM_002528.7 (MANE Select); 13 bases into the intron before coding-DNA position 116 through coding-DNA position 172, 70 bases deleted.
Molecular consequence: splice acceptor variant.
Genome position (GRCh38, 1-based): chr16:2,046,310-2,046,379, 70 bases deleted. GRCh37 (hg19): chr16:2,096,320-2,096,389.
Other names: c.140-13_196del70 (NM_002528.5); c.-63-13_-7del (NM_001318194.2); c.116-13_172del (NM_001318193.2).
Identifiers: ClinVar variation 1522552 (VCV001522552.7), dbSNP rs2150947077, ClinGen allele CA2573151825.

ClinVar aggregate classification (germline): Conflicting classifications of pathogenicity. Review status: criteria provided, conflicting classifications (1 of 4 stars). 2 submissions from 2 submitters: Likely pathogenic (1); Uncertain significance (1). Last evaluated 2026-06-15.

Conditions:
Hereditary cancer-predisposing syndrome. Also called: Hereditary Cancer Syndrome; Tumor predisposition; Neoplastic Syndromes, Hereditary; Hereditary neoplastic syndrome. Identifiers: Orphanet 140162, MedGen C0027672, MeSH D009386, MONDO:0015356.

Submissions (2):

Ambry Genetics
Classification: Uncertain significance for Hereditary cancer-predisposing syndrome. Last evaluated: 2026-06-15. Review status: criteria provided, single submitter. Criteria: Ambry Variant Classification Scheme 2023. Collection method: clinical testing. Allele origin: germline.
Comment: The c.140-13_196del70 variant, located in coding intron 1 and coding exon 2 of the NTHL1 gene, results from a deletion of the last 13 nucleotides of intron 1 and the first 57 nucleotides within coding exon 2 of the NTHL1 gene. Variants that disrupt the canonical splice site are expected to result in aberrant splicing. In silico splice site analysis predicts that this alteration will weaken the native splice acceptor site. A resulting transcript is predicted to be in-frame and is not expected to trigger nonsense-mediated mRNAdecay; although, direct evidence is unavailable. This region includes nucleotide positions that are highly conserved in available vertebrate species. Based on the available evidence, the clinical significance of this variant remains unclear.

Labcorp Genetics (formerly Invitae), Labcorp
Classification: Likely pathogenic. Last evaluated: 2023-05-18. Review status: criteria provided, single submitter. Criteria: Invitae Variant Classification Sherloc (09022015). Collection method: clinical testing. Allele origin: germline.
Comment: This variant results in the deletion of part of exon 2 (c.140-13_196del) of the NTHL1 gene. It is expected to disrupt RNA splicing. Variants that disrupt the donor or acceptor splice site typically lead to a loss of protein function (PMID: 16199547), and loss-of-function variants in NTHL1 are known to be pathogenic (PMID: 25938944, 26559593). This variant is not present in population databases (gnomAD no frequency). This variant has not been reported in the literature in individuals affected with NTHL1-related conditions. ClinVar contains an entry for this variant (Variation ID: 1522552). Algorithms developed to predict the effect of sequence changes on RNA splicing suggest that this variant may disrupt the consensus splice site. In summary, the currently available evidence indicates that the variant is pathogenic, but additional data are needed to prove that conclusively. Therefore, this variant has been classified as Likely Pathogenic.

Literature cited by the submitters: PubMed 16199547 (cited by Labcorp Genetics (formerly Invitae), Labcorp); PubMed 25938944 (cited by Labcorp Genetics (formerly Invitae), Labcorp); PubMed 26559593 (cited by Labcorp Genetics (formerly Invitae), Labcorp).